The following is an entry in ClinVar:

NM_004517.4(ILK):c.164T>C (p.Met55Thr)

Genes: ILK (integrin linked kinase; plus strand), TAF10 (TATA-box binding protein associated factor 10; minus strand). Cytogenetic location: 11p15.4.
Variant type: single nucleotide variant.
Coding change: c.164T>C on transcript NM_004517.4 (MANE Select); coding-DNA position 164, T replaced by C.
Protein change: p.Met55Thr; replaces methionine 55 with threonine.
Molecular consequence: missense variant. On other transcripts: 3 prime UTR variant (1), intron variant (1).
Genome position (GRCh38, 1-based): chr11:6,608,120, T>C. VCF-style: chr11-6608120-T-C. GRCh37 (hg19) VCF-style: chr11-6629350-T-C.
Other names: c.164T>C, p.Met55Thr (NM_001014794.3, NM_001014795.3, NM_001278441.2); c.*2802A>G (NM_006284.4); c.-147-274T>C (NM_001278442.2); short protein forms M55T.
Identifiers: ClinVar variation 4810687 (VCV004810687.1).

ClinVar aggregate classification (germline): Uncertain significance (1 of 4 stars; one submission).

Conditions:
Primary familial hypertrophic cardiomyopathy (HCM). Identifiers: Orphanet 99739, MedGen C0949658, MeSH D024741, MONDO:0024573. Inheritance: Various modes of inheritance.

gnomAD v4.1: 1 of 1,614,150 alleles (0.000062%); highest among the groups gnomAD compares: Non-Finnish European, 0.000085%; no homozygotes.

Submission:

Labcorp Genetics (formerly Invitae), Labcorp
Classification: Uncertain significance for Primary familial hypertrophic cardiomyopathy. Last evaluated: 2026-01-06. Review status: criteria provided, single submitter. Criteria: Invitae Variant Classification Sherloc (09022015). Collection method: clinical testing. Allele origin: germline.
Comment: This sequence change replaces methionine, which is neutral and non-polar, with threonine, which is neutral and polar, at codon 55 of the ILK protein (p.Met55Thr). This variant is present in population databases (rs752892842, gnomAD 0.0009%). This variant has not been reported in the literature in individuals affected with ILK-related conditions. An algorithm developed to predict the effect of missense changes on protein structure and function (PolyPhen-2) suggests that this variant is likely to be tolerated. In summary, the available evidence is currently insufficient to determine the role of this variant in disease. Therefore, it has been classified as a Variant of Uncertain Significance.